The following is an entry in ClinVar:

ClinVar aggregate classification (germline): Conflicting classifications of pathogenicity. Review status: criteria provided, conflicting classifications (1 of 4 stars). 3 submissions from 3 submitters: Uncertain significance (2); Likely benign (1). Last evaluated 2025-02-23.

Conditions:
Inborn genetic diseases. Identifiers: MedGen C0950123, MeSH D030342.

Allele frequency attached by ClinVar (database versions not stated): ESP Exome Variant Server 0.00015.
gnomAD v4.1: 91 of 1,613,986 alleles (0.0056%); highest among the groups gnomAD compares: Non-Finnish European, 0.0011%; no homozygotes.

Submissions (3):

Labcorp Genetics (formerly Invitae), Labcorp
Classification: Likely benign. Last evaluated: 2025-02-23. Review status: criteria provided, single submitter. Criteria: Invitae Variant Classification Sherloc (09022015). Collection method: clinical testing. Allele origin: germline.

CeGaT Center for Human Genetics Tuebingen
Classification: Uncertain significance. Last evaluated: 2023-05-01. Review status: criteria provided, single submitter. Criteria: CeGaT Center For Human Genetics Tuebingen Variant Classification Criteria Version 2. Collection method: clinical testing. Allele origin: germline. Affected: yes. Observed: 1 variant allele.
Comment: DNAH9: PM2

Ambry Genetics
Classification: Uncertain significance for Inborn genetic diseases. Last evaluated: 2022-12-19. Review status: criteria provided, single submitter. Criteria: Ambry Variant Classification Scheme 2023. Collection method: clinical testing. Allele origin: germline.

NM_001372.4(DNAH9):c.8515G>A (p.Ala2839Thr)

Gene: DNAH9 (dynein axonemal heavy chain 9; plus strand). Cytogenetic location: 17p12.
Variant type: single nucleotide variant.
Coding change: c.8515G>A on transcript NM_001372.4 (MANE Select); coding-DNA position 8515, G replaced by A.
Protein change: p.Ala2839Thr; replaces alanine 2839 with threonine.
Molecular consequence: missense variant.
Genome position (GRCh38, 1-based): chr17:11,807,826, G>A. VCF-style: chr17-11807826-G-A. GRCh37 (hg19) VCF-style: chr17-11711143-G-A.
Other names: c.8515G>A (NM_001372.3); short protein forms A2839T.
Identifiers: ClinVar variation 2176339 (VCV002176339.29), dbSNP rs144799994, ClinGen allele CA8396950.